The following is an entry in ClinVar:

NM_001127511.3(APC):c.136A>G (p.Thr46Ala)

Gene: APC (APC regulator of Wnt signaling pathway; plus strand). Cytogenetic location: 5q22.2.
Variant type: single nucleotide variant.
Coding change: c.136A>G on transcript NM_001127511.3; coding-DNA position 136, A replaced by G.
Protein change: p.Thr46Ala; replaces threonine 46 with alanine.
Molecular consequence: missense variant. On other transcripts: 5 prime UTR variant (8), non-coding transcript variant (1), intron variant (5).
Genome position (GRCh38, 1-based): chr5:112,707,853, A>G. VCF-style: chr5-112707853-A-G. GRCh37 (hg19) VCF-style: chr5-112043550-A-G.
Other names: c.-48A>G (NM_001354895.2, NM_001407447.1, NM_001407452.1 and 3 more transcripts); c.136A>G, p.Thr46Ala (NM_001354897.2, NM_001354902.2, NM_001407446.1); c.-1083A>G (NM_001407470.1, NM_001407472.1); c.-19+204A>G (NM_001407448.1, NM_001407450.1, NM_001407457.1 and 1 more transcripts); c.-43+204A>G (NM_001407453.1); short protein forms T46A.
Identifiers: ClinVar variation 1483673 (VCV001483673.5), dbSNP rs766151900, ClinGen allele CA360612107.
Genomic context (GRCh38, chr5:112,707,853, plus strand): 5'-AGCACCGGCGGCAGCAGGAGCTGCGTCCGGCAGGAGACGAAGAGCCCGGGCGGCGCTCGT[A>G]CTTCTGGCCACTGGGCGAGCGTCTGGCAGGTGAGTGAGGCTGCAGGCATTGACGTCTCCT-3'

ClinVar aggregate classification (germline): Uncertain significance (1 of 4 stars; one submission).

Conditions:
Familial adenomatous polyposis 1 (FAP1). Also called: FAMILIAL ADENOMATOUS POLYPOSIS 1, ATTENUATED; POLYPOSIS, ADENOMATOUS INTESTINAL. Identifiers: MedGen C2713442, MONDO:0021056, OMIM 175100. Disease mechanism: loss of function.

Submission:

Labcorp Genetics (formerly Invitae), Labcorp
Classification: Uncertain significance for Familial adenomatous polyposis 1. Last evaluated: 2026-01-18. Review status: criteria provided, single submitter. Criteria: Invitae Variant Classification Sherloc (09022015). Collection method: clinical testing. Allele origin: germline.
Comment: This variant occurs in a non-coding region of the APC gene. It does not change the encoded amino acid sequence of the APC protein. This variant is not present in population databases (gnomAD no frequency). This variant has not been reported in the literature in individuals affected with APC-related conditions. Experimental studies and prediction algorithms are not available or were not evaluated, and the functional significance of this variant is currently unknown. In summary, the available evidence is currently insufficient to determine the role of this variant in disease. Therefore, it has been classified as a Variant of Uncertain Significance.